The following is an entry in ClinVar:

ClinVar aggregate classification (germline): Benign (1 of 4 stars; one submission).

Conditions:
Familial adenomatous polyposis 1 (FAP1). Also called: POLYPOSIS, ADENOMATOUS INTESTINAL; FAMILIAL ADENOMATOUS POLYPOSIS 1, ATTENUATED. Identifiers: MedGen C2713442, MONDO:0021056, OMIM 175100. Disease mechanism: loss of function.

gnomAD v4.1: 1 of 1,614,076 alleles (0.000062%); highest among the groups gnomAD compares: Non-Finnish European, 0.000085%; no homozygotes.

Submission:

Myriad Genetics, Inc.
Classification: Benign for Familial adenomatous polyposis 1. Last evaluated: 2024-03-07. Review status: criteria provided, single submitter. Criteria: Myriad Autosomal Dominant, Autosomal Recessive and X-Linked Classification Criteria (2023). Collection method: clinical testing. Allele origin: unknown.
Comment: This variant is considered benign. This variant is a silent/synonymous amino acid change and it is not expected to impact splicing.

NM_000038.6(APC):c.1902T>C (p.Ser634=)

Gene: APC (APC regulator of Wnt signaling pathway; plus strand). Cytogenetic location: 5q22.2.
Variant type: single nucleotide variant.
Coding change: c.1902T>C on transcript NM_000038.6 (MANE Select); coding-DNA position 1902, T replaced by C.
Protein change: p.Ser634=; no amino-acid change (serine 634 retained).
Molecular consequence: synonymous variant. On other transcripts: non-coding transcript variant (2).
Genome position (GRCh38, 1-based): chr5:112,835,109, T>C. VCF-style: chr5-112835109-T-C. GRCh37 (hg19) VCF-style: chr5-112170806-T-C.
Other names: c.1902T>C, p.Ser634= (NM_001127510.3, NM_001354895.2, NM_001407450.1); c.1848T>C, p.Ser616= (NM_001127511.3); c.1956T>C, p.Ser652= (NM_001354896.2, NM_001407447.1, NM_001407448.1 and 1 more transcripts); c.1932T>C, p.Ser644= (NM_001354897.2); c.1827T>C, p.Ser609= (NM_001354898.2); c.1818T>C, p.Ser606= (NM_001354899.2); c.1779T>C, p.Ser593= (NM_001354900.2); c.1725T>C, p.Ser575= (NM_001354901.2, NM_001407453.1); and 11 more.
Identifiers: ClinVar variation 3148055 (VCV003148055.1), dbSNP rs876659460, ClinGen allele CA445758913.